The following is an entry in ClinVar:

ClinVar aggregate classification (germline): Pathogenic. Review status: criteria provided, multiple submitters, no conflicts (2 of 4 stars). 2 submissions from 2 submitters: Pathogenic (2). Last evaluated 2024-02-13.

Conditions:
Fanconi anemia complementation group J. Also called: BRIP1-Related Fanconi Anemia. Identifiers: Orphanet 84, MedGen C1836860, MONDO:0012187, OMIM 609054.
Familial cancer of breast. Also called: BREAST CANCER, FAMILIAL; hereditary breast carcinoma; Hereditary breast cancer. Identifiers: Orphanet 227535, MedGen C0346153, MONDO:0016419, OMIM 114480. Disease mechanism: loss of function.

Submissions (2):

Labcorp Genetics (formerly Invitae), Labcorp
Classification: Pathogenic for Familial cancer of breast; Fanconi anemia complementation group J. Last evaluated: 2024-02-13. Review status: criteria provided, single submitter. Criteria: Invitae Variant Classification Sherloc (09022015). Collection method: clinical testing. Allele origin: germline.
Comment: This sequence change creates a premature translational stop signal (p.Ser601Glnfs*12) in the BRIP1 gene. It is expected to result in an absent or disrupted protein product. Loss-of-function variants in BRIP1 are known to be pathogenic (PMID: 16116423, 17033622, 21964575). This variant is not present in population databases (gnomAD no frequency). This variant has not been reported in the literature in individuals affected with BRIP1-related conditions. ClinVar contains an entry for this variant (Variation ID: 1074235). For these reasons, this variant has been classified as Pathogenic.

Myriad Genetics, Inc.
Classification: Pathogenic for Familial cancer of breast. Last evaluated: 2023-06-05. Review status: criteria provided, single submitter. Criteria: Myriad Autosomal Dominant, Autosomal Recessive and X-Linked Classification Criteria (2023). Collection method: clinical testing. Allele origin: unknown.
Comment: This variant is considered pathogenic. This variant creates a frameshift predicted to result in premature protein truncation.

Literature cited by the submitters: PubMed 16116423 (cited by Labcorp Genetics (formerly Invitae), Labcorp); PubMed 17033622 (cited by Labcorp Genetics (formerly Invitae), Labcorp); PubMed 21964575 (cited by Labcorp Genetics (formerly Invitae), Labcorp).

NM_032043.3(BRIP1):c.1801del (p.Ser601fs)

Gene: BRIP1 (BRCA1 interacting DNA helicase 1; minus strand). Cytogenetic location: 17q23.2.
Variant type: Deletion.
Coding change: c.1801del on transcript NM_032043.3 (MANE Select); coding-DNA position 1801, one base deleted (T; older notation c.1801delT).
Protein change: p.Ser601fs; shifts the reading frame from serine 601.
Molecular consequence: frameshift variant.
Genome position (GRCh38, 1-based): chr17:61,780,395, A deleted on the plus strand (T on the coding strand, the reverse complement: BRIP1 is on the minus strand); the first of 4 consecutive A bases (chr17:61,780,395-61,780,398); deleting any one gives the same sequence. VCF-style (leftmost placement, unchanged base first): chr17-61780394-GA-G. GRCh37 (hg19) VCF-style: chr17-59857755-GA-G.
Other names: short protein forms S601fs.
Identifiers: ClinVar variation 1074235 (VCV001074235.9), dbSNP rs2145081748, ClinGen allele CA2499224794.